The following is an entry in ClinVar:

ClinVar aggregate classification (germline): Uncertain significance. Review status: criteria provided, multiple submitters, no conflicts (2 of 4 stars). 3 submissions from 3 submitters: Uncertain significance (3). Last evaluated 2025-12-14.

Conditions:
Inborn genetic diseases. Identifiers: MedGen C0950123, MeSH D030342.
Axenfeld-Rieger syndrome type 3 (RIEG3). Also called: AXENFELD-RIEGER ANOMALY WITH CARDIAC DEFECTS AND/OR SENSORINEURAL HEARING LOSS. Identifiers: Orphanet 782, MedGen C2678503, MONDO:0011233, OMIM 602482.
Anterior segment dysgenesis 3 (ASGD3). Also called: Glaucoma iridogoniodysplasia, familial; IRIDOGONIODYSGENESIS ANOMALY, AUTOSOMAL DOMINANT. Identifiers: Orphanet 91483, MedGen C5975707, MONDO:0024456, OMIM 601631.

gnomAD v4.1: 8 of 1,446,444 alleles (0.00055%); highest among the groups gnomAD compares: Non-Finnish European, 0.00064%; no homozygotes.

Submissions (3):

Labcorp Genetics (formerly Invitae), Labcorp
Classification: Uncertain significance for Axenfeld-Rieger syndrome type 3. Last evaluated: 2025-12-14. Review status: criteria provided, single submitter. Criteria: Invitae Variant Classification Sherloc (09022015). Collection method: clinical testing. Allele origin: germline.
Comment: This sequence change replaces serine, which is neutral and polar, with glycine, which is neutral and non-polar, at codon 265 of the FOXC1 protein (p.Ser265Gly). This variant is not present in population databases (gnomAD no frequency). This variant has not been reported in the literature in individuals affected with FOXC1-related conditions. ClinVar contains an entry for this variant (Variation ID: 3516591). An algorithm developed to predict the effect of missense changes on protein structure and function (PolyPhen-2) suggests that this variant is likely to be disruptive. In summary, the available evidence is currently insufficient to determine the role of this variant in disease. Therefore, it has been classified as a Variant of Uncertain Significance.

Ambry Genetics
Classification: Uncertain significance for Inborn genetic diseases. Last evaluated: 2024-07-30. Review status: criteria provided, single submitter. Criteria: Ambry Variant Classification Scheme 2023. Collection method: clinical testing. Allele origin: germline.

Fulgent Genetics
Classification: Uncertain significance for Anterior segment dysgenesis 3; Axenfeld-Rieger syndrome type 3. Last evaluated: 2024-05-28. Review status: criteria provided, single submitter. Criteria: ACMG Guidelines, 2015. Collection method: clinical testing. Allele origin: germline.

NM_001453.3(FOXC1):c.793A>G (p.Ser265Gly)

Gene: FOXC1 (forkhead box C1; plus strand). Cytogenetic location: 6p25.3.
Variant type: single nucleotide variant.
Coding change: c.793A>G on transcript NM_001453.3 (MANE Select); coding-DNA position 793, A replaced by G.
Protein change: p.Ser265Gly; replaces serine 265 with glycine.
Molecular consequence: missense variant.
Genome position (GRCh38, 1-based): chr6:1,611,238, A>G. VCF-style: chr6-1611238-A-G. GRCh37 (hg19) VCF-style: chr6-1611473-A-G.
Other names: short protein forms S265G.
Identifiers: ClinVar variation 3516591 (VCV003516591.3).
Genomic context (GRCh38, chr6:1,611,238, plus strand): 5'-GCCCTGGGCAGCGGCAGCGCCGCCGCGGTGCCCAAGATCGAGAGCCCCGACAGCAGCAGC[A>G]GCAGCCTGTCCAGCGGGAGCAGCCCCCCGGGCAGCCTGCCGTCGGCGCGGCCGCTCAGCC-3'
Protein context (NP_001444.2, residues 255-275): PKIESPDSSS[Ser265Gly]SLSSGSSPPG